The following is an entry in ClinVar:

ClinVar aggregate classification (germline): Likely benign (1 of 4 stars; one submission).

Conditions:
POLR1A-related disorder. Also called: POLR1A-related condition.

gnomAD v4.1: 227 of 1,610,374 alleles (0.014%); highest among the groups gnomAD compares: African/African-American, 0.2%; 1 homozygote.

Submission:

PreventionGenetics, part of Exact Sciences
Classification: Likely benign for POLR1A-related condition. Last evaluated: 2026-07-07. Review status: criteria provided, single submitter. Criteria: ACMG Guidelines, 2015. Collection method: clinical testing. Allele origin: germline.
Comment: This variant is classified as likely benign based on ACMG/AMP sequence variant interpretation guidelines (Richards et al. 2015 PMID: 25741868, with internal and published modifications).

NM_015425.6(POLR1A):c.*10C>T

Gene: POLR1A (RNA polymerase I subunit A; minus strand). Cytogenetic location: 2p11.2.
Variant type: single nucleotide variant.
Coding change: c.*10C>T on transcript NM_015425.6 (MANE Select); 10 bases downstream of the stop codon, C replaced by T.
Molecular consequence: 3 prime UTR variant.
Genome position (GRCh38, 1-based): chr2:86,027,413, G>A on the plus strand (C>T on the coding strand, the complement: POLR1A is on the minus strand). VCF-style: chr2-86027413-G-A. GRCh37 (hg19) VCF-style: chr2-86254536-G-A.
Identifiers: ClinVar variation 4988102 (VCV004988102.1).